The following is an entry in ClinVar:

ClinVar aggregate classification (germline): Uncertain significance (1 of 4 stars; one submission).

Submission:

Labcorp Genetics (formerly Invitae), Labcorp
Classification: Uncertain significance. Last evaluated: 2023-07-27. Review status: criteria provided, single submitter. Criteria: Invitae Variant Classification Sherloc (09022015). Collection method: clinical testing. Allele origin: germline.
Comment: This variant has not been reported in the literature in individuals affected with ALPK3-related conditions. This variant is not present in population databases (gnomAD no frequency). This sequence change replaces serine, which is neutral and polar, with alanine, which is neutral and non-polar, at codon 723 of the ALPK3 protein (p.Ser723Ala). Algorithms developed to predict the effect of missense changes on protein structure and function output the following: SIFT: "Not Available"; PolyPhen-2: "Benign"; Align-GVGD: "Not Available". The alanine amino acid residue is found in multiple mammalian species, which suggests that this missense change does not adversely affect protein function. In summary, the available evidence is currently insufficient to determine the role of this variant in disease. Therefore, it has been classified as a Variant of Uncertain Significance.

NM_020778.5(ALPK3):c.1561T>G (p.Ser521Ala)

Genes: ALPK3 (alpha kinase 3; plus strand), LOC111718493 (skeletal muscle cis-regulatory module overlapping ALPK3; plus strand). Cytogenetic location: 15q25.3.
Variant type: single nucleotide variant.
Coding change: c.1561T>G on transcript NM_020778.5 (MANE Select); coding-DNA position 1561, T replaced by G.
Protein change: p.Ser521Ala; replaces serine 521 with alanine.
Molecular consequence: missense variant.
Genome position (GRCh38, 1-based): chr15:84,840,840, T>G. VCF-style: chr15-84840840-T-G. GRCh37 (hg19) VCF-style: chr15-85384071-T-G.
Other names: short protein forms S521A.
Identifiers: ClinVar variation 2850296 (VCV002850296.3), dbSNP rs2505706912, ClinGen allele CA393375949.
Genomic context (GRCh38, chr15:84,840,840, plus strand): 5'-TCTCTGAGTCAAGCTCCAGAATGCGGGGCCCAGAGCTTAGGAAAGGCCCCACCTCAGGCC[T>G]CTGTGCAGGTGCCGACGCCCCCTGCCCGGCGGAGACATGGCACCCGGGACAGCACGTTGC-3'
Protein context (NP_065829.4, residues 511-531): QSLGKAPPQA[Ser521Ala]VQVPTPPARR